The following is an entry in ClinVar:

NM_001184.4(ATR):c.1542-3_1542-2insT

Gene: ATR (ATR checkpoint kinase; minus strand). Cytogenetic location: 3q23.
Variant type: Insertion.
Coding change: c.1542-3_1542-2insT on transcript NM_001184.4 (MANE Select); 3 bases into the intron before coding-DNA position 1542 through the canonical splice acceptor site of the intron before coding-DNA position 1542, T inserted.
Molecular consequence: intron variant.
Genome position: GRCh38 VCF-style: chr3-142559443-T-TA. GRCh37 (hg19) VCF-style: chr3-142278285-T-TA.
Other names: c.1350-3_1350-2insT (NM_001354579.2).
Identifiers: ClinVar variation 1038561 (VCV001038561.7), dbSNP rs779958536, ClinGen allele CA2650562.

ClinVar aggregate classification (germline): Uncertain significance (1 of 4 stars; one submission).

Allele frequency attached by ClinVar (database versions not stated): gnomAD exomes 0.00001; ExAC 0.00003.

Submission:

Labcorp Genetics (formerly Invitae), Labcorp
Classification: Uncertain significance. Last evaluated: 2020-04-10. Review status: criteria provided, single submitter. Criteria: Invitae Variant Classification Sherloc (09022015). Collection method: clinical testing. Allele origin: germline.
Comment: Nucleotide substitutions within the consensus splice site are a relatively common cause of aberrant splicing (PMID: 17576681, 9536098). Algorithms developed to predict the effect of sequence changes on RNA splicing suggest that this variant may disrupt the consensus splice site, but this prediction has not been confirmed by published transcriptional studies. This variant has not been reported in the literature in individuals with ATR-related conditions. This variant is present in population databases (rs779958536, ExAC 0.04%). This sequence change falls in intron 6 of the ATR gene. It does not directly change the encoded amino acid sequence of the ATR protein, but it affects a nucleotide within the consensus splice site of the intron. In summary, the available evidence is currently insufficient to determine the role of this variant in disease. Therefore, it has been classified as a Variant of Uncertain Significance.

Literature cited by the submitters: PubMed 17576681; PubMed 9536098.